The following is an entry in ClinVar:

ClinVar aggregate classification (germline): Uncertain significance (1 of 4 stars; one submission).

Conditions:
Hereditary cancer-predisposing syndrome. Also called: Neoplastic Syndromes, Hereditary; Tumor predisposition; Hereditary neoplastic syndrome; Hereditary Cancer Syndrome. Identifiers: Orphanet 140162, MedGen C0027672, MeSH D009386, MONDO:0015356.

Submission:

Ambry Genetics
Classification: Uncertain significance for Hereditary cancer-predisposing syndrome. Last evaluated: 2024-02-20. Review status: criteria provided, single submitter. Criteria: Ambry Variant Classification Scheme 2023. Collection method: clinical testing. Allele origin: germline.
Comment: The p.E652Q variant (also known as c.1954G>C), located in coding exon 18 of the TSC2 gene, results from a G to C substitution at nucleotide position 1954. The glutamic acid at codon 652 is replaced by glutamine, an amino acid with highly similar properties. This amino acid position is conserved. In addition, the in silico prediction for this alteration is inconclusive. Based on the available evidence, the clinical significance of this alteration remains unclear.

NM_000548.5(TSC2):c.1954G>C (p.Glu652Gln)

Gene: TSC2 (TSC complex subunit 2; plus strand). Cytogenetic location: 16p13.3.
Variant type: single nucleotide variant.
Coding change: c.1954G>C on transcript NM_000548.5 (MANE Select); coding-DNA position 1954, G replaced by C.
Protein change: p.Glu652Gln; replaces glutamic acid 652 with glutamine.
Molecular consequence: missense variant. On other transcripts: non-coding transcript variant (5).
Genome position (GRCh38, 1-based): chr16:2,071,791, G>C. VCF-style: chr16-2071791-G-C. GRCh37 (hg19) VCF-style: chr16-2121792-G-C.
Other names: c.1954G>C, p.Glu652Gln (NM_001077183.3, NM_001114382.3, NM_001363528.2 and 6 more transcripts); c.1843G>C, p.Glu615Gln (NM_001318827.2, NM_001406670.1, NM_001406678.1); c.1807G>C, p.Glu603Gln (NM_001318829.2, NM_001406675.1, NM_001406676.1 and 1 more transcripts); c.1354G>C, p.Glu452Gln (NM_001318831.2, NM_001406680.1, NM_001406682.1 and 6 more transcripts); c.1987G>C, p.Glu663Gln (NM_001318832.2); c.2044G>C, p.Glu682Gln (NM_001406667.1, NM_001406668.1); c.1942G>C, p.Glu648Gln (NM_001406671.1, NM_001406673.1); c.1897G>C, p.Glu633Gln (NM_001406677.1); and 3 more; short protein forms E118Q, E204Q, E452Q, E498Q, E603Q, E615Q, E633Q, E648Q.
Identifiers: ClinVar variation 3232097 (VCV003232097.1), dbSNP rs1555505954, ClinGen allele CA394273592.